The following is an entry in ClinVar:

NM_007294.4(BRCA1):c.4986+10T>A

Gene: BRCA1 (BRCA1 DNA repair associated; minus strand). Cytogenetic location: 17q21.31.
Variant type: single nucleotide variant.
Coding change: c.4986+10T>A on transcript NM_007294.4 (MANE Select); 10 bases into the intron after coding-DNA position 4986, T replaced by A.
Molecular consequence: intron variant.
Genome position (GRCh38, 1-based): chr17:43,070,918, A>T on the plus strand (T>A on the coding strand, the complement: BRCA1 is on the minus strand). VCF-style: chr17-43070918-A-T. GRCh37 (hg19) VCF-style: chr17-41222935-A-T.
Other names: c.1533+10T>A (NM_001408458.1, NM_001408461.1, NM_001408464.1 and 7 more transcripts); c.4095+10T>A (NM_001407967.1); c.4605+10T>A (NM_001407959.1); c.4719+10T>A (NM_001407931.1, NM_001407932.1, NM_001407928.1 and 4 more transcripts); c.4842+10T>A (NM_001407747.1, NM_001407745.1, NM_001407737.1 and 21 more transcripts); c.4602+10T>A (NM_001407962.1, NM_001407960.1); c.1173+10T>A (NM_001408512.1); c.1296+10T>A (NM_001408510.1); and 71 more.
Identifiers: ClinVar variation 865499 (VCV000865499.3), dbSNP rs2052351450, ClinGen allele CA916080184.
Genomic context (GRCh38, chr17:43,070,918, plus strand): 5'-CCTACATAAAACTCTTTCCAGAATGTTGTTAAGTCTTAGTCATTAGGGAGATACATATGG[A>T]TACACTCACAAATTCTTCTGGGGTCAGGCCAGACACCACCATGGACATTCTTTTGTTGAC-3'

Conditions:
Breast-ovarian cancer, familial, susceptibility to, 1 (BROVCA1). Also called: BRCA1 Hereditary Breast and Ovarian Cancer; OVARIAN CANCER, SUSCEPTIBILITY TO. Identifiers: Orphanet 145, MedGen C2676676, MONDO:0011450, OMIM 604370. Disease mechanism: loss of function.

Submission:

Brotman Baty Institute, University of Washington
No classification provided (evidence only). Condition: Breast-ovarian cancer, familial 1. Review status: no classification provided. Collection method: in vitro. Allele origin: not applicable. Functional consequence: functionally_normal.
ClinVar note: "not provided" was previously submitted as the classification for the variant. However, the classification appeared to be based only on an observation of functional data so it was converted to no classification on 2025-07-30.